The following is an entry in ClinVar:

ClinVar aggregate classification (germline): Pathogenic (1 of 4 stars; one submission).

Conditions:
Hereditary cancer-predisposing syndrome. Also called: Hereditary Cancer Syndrome; Hereditary neoplastic syndrome; Neoplastic Syndromes, Hereditary; Tumor predisposition. Identifiers: Orphanet 140162, MedGen C0027672, MeSH D009386, MONDO:0015356.

Submission:

Ambry Genetics
Classification: Pathogenic for Hereditary cancer-predisposing syndrome. Last evaluated: 2021-08-13. Review status: criteria provided, single submitter. Criteria: Ambry Variant Classification Scheme 2023. Collection method: clinical testing. Allele origin: germline.
Comment: The c.96_102delCCGTGCC pathogenic mutation, located in coding exon 1 of the MSH6 gene, results from a deletion of 7 nucleotides at nucleotide positions 96 to 102, causing a translational frameshift with a predicted alternate stop codon (p.R33Pfs*46). This alteration is expected to result in loss of function by premature protein truncation or nonsense-mediated mRNA decay. As such, this alteration is interpreted as a disease-causing mutation.

NM_000179.3(MSH6):c.96_102del (p.Arg33fs)

Gene: MSH6 (mutS homolog 6; plus strand). Cytogenetic location: 2p16.3.
Variant type: Deletion.
Coding change: c.96_102del on transcript NM_000179.3 (MANE Select); coding-DNA positions 96 to 102, 7 bases deleted (CCGTGCC; older notation c.96_102delCCGTGCC).
Protein change: p.Arg33fs; shifts the reading frame from arginine 33.
Molecular consequence: frameshift variant. On other transcripts: 5 prime UTR variant (1).
Genome position (GRCh38, 1-based): chr2:47,783,329-47,783,335, CCGTGCC deleted. VCF-style (leftmost placement, unchanged base first): chr2-47783328-GCCGTGCC-G. GRCh37 (hg19) VCF-style: chr2-48010467-GCCGTGCC-G.
Other names: c.96_102del, p.Arg33fs (NM_001281492.2); c.-641_-635del (NM_001281493.2); c.96_102delCCGTGCC, p.Arg33Profs (NM_001406795.1, NM_001406796.1, NM_001406798.1 and 8 more transcripts); c.-233_-227delCCGTGCC (NM_001406799.1); c.41_47delCCGTGCC, p.Ala14Glyfs (NM_001406804.1); c.-833_-827delCCGTGCC (NM_001406807.1); c.-641_-635delCCGTGCC (NM_001406811.1); c.-488_-482delCCGTGCC (NM_001406812.1); and 2 more; short protein forms R33fs.
Identifiers: ClinVar variation 1767536 (VCV001767536.2), dbSNP rs2530316752, ClinGen allele CA2580066993.